The following is an entry in ClinVar:

ClinVar aggregate classification (germline): Uncertain significance (1 of 4 stars; one submission).

Conditions:
Deficiency of alpha-mannosidase (MANSA). Also called: LYSOSOMAL ALPHA-D-MANNOSIDASE DEFICIENCY; Alpha-Mannosidosis; Mannosidosis, alpha-, types I and II. Identifiers: Orphanet 61, MedGen C0024748, MONDO:0009561, OMIM 248500.

Allele frequency attached by ClinVar (database versions not stated): gnomAD exomes 0.00003.
gnomAD v4.1: 42 of 1,612,912 alleles (0.0026%); highest among the groups gnomAD compares: Non-Finnish European, 0.0035%; no homozygotes.

Submission:

Labcorp Genetics (formerly Invitae), Labcorp
Classification: Uncertain significance for Deficiency of alpha-mannosidase. Last evaluated: 2022-05-25. Review status: criteria provided, single submitter. Criteria: Invitae Variant Classification Sherloc (09022015). Collection method: clinical testing. Allele origin: germline.
Comment: This sequence change replaces arginine, which is basic and polar, with histidine, which is basic and polar, at codon 797 of the MAN2B1 protein (p.Arg797His). This variant is not present in population databases (gnomAD no frequency). This variant has not been reported in the literature in individuals affected with MAN2B1-related conditions. Algorithms developed to predict the effect of missense changes on protein structure and function are either unavailable or do not agree on the potential impact of this missense change (SIFT: "Deleterious"; PolyPhen-2: "Probably Damaging"; Align-GVGD: "Class C0"). In summary, the available evidence is currently insufficient to determine the role of this variant in disease. Therefore, it has been classified as a Variant of Uncertain Significance.

NM_000528.4(MAN2B1):c.2390G>A (p.Arg797His)

Gene: MAN2B1 (mannosidase alpha class 2B member 1; minus strand). Cytogenetic location: 19p13.13.
Variant type: single nucleotide variant.
Coding change: c.2390G>A on transcript NM_000528.4 (MANE Select); coding-DNA position 2390, G replaced by A.
Protein change: p.Arg797His; replaces arginine 797 with histidine.
Molecular consequence: missense variant.
Genome position (GRCh38, 1-based): chr19:12,649,182, C>T on the plus strand (G>A on the coding strand, the complement: MAN2B1 is on the minus strand). VCF-style: chr19-12649182-C-T. GRCh37 (hg19) VCF-style: chr19-12759996-C-T.
Other names: c.2387G>A, p.Arg796His (NM_001173498.2); short protein forms R796H, R797H.
Identifiers: ClinVar variation 2139478 (VCV002139478.1), dbSNP rs750957781, ClinGen allele CA305461842.
Genomic context (GRCh38, chr19:12,649,182, plus strand): 5'-TCTGACCCACTCACCATGAGCTCCAGCGAGCCATCTCTCAGGCTGCTGCCCCCCTGGGAG[C>T]GGTCAGTCAGCACAGTCAGCTGCATGTTTCCATCCTGGGAGTTGAAGGGTGAAAGTAGAG-3'
Protein context (NP_000519.2, residues 787-807): GNMQLTVLTD[Arg797His]SQGGSSLRDG